The following is an entry in ClinVar:

NM_004168.4(SDHA):c.1445C>G (p.Pro482Arg)

Gene: SDHA (succinate dehydrogenase complex flavoprotein subunit A; plus strand). Cytogenetic location: 5p15.33.
Variant type: single nucleotide variant.
Coding change: c.1445C>G on transcript NM_004168.4 (MANE Select); coding-DNA position 1445, C replaced by G.
Protein change: p.Pro482Arg; replaces proline 482 with arginine.
Molecular consequence: missense variant.
Genome position (GRCh38, 1-based): chr5:240,370, C>G. VCF-style: chr5-240370-C-G. GRCh37 (hg19) VCF-style: chr5-240485-C-G.
Other names: c.1301C>G, p.Pro434Arg (NM_001294332.2); c.1445C>G, p.Pro482Arg (NM_001330758.2); short protein forms P434R, P482R.
Identifiers: ClinVar variation 1502217 (VCV001502217.6), dbSNP rs759661610, ClinGen allele CA359014183.

ClinVar aggregate classification (germline): Uncertain significance (1 of 4 stars; one submission).

Conditions:
Mitochondrial complex II deficiency, nuclear type 1. Also called: SUCCINATE CoQ REDUCTASE DEFICIENCY. Identifiers: Orphanet 3208, MedGen C5700310, MONDO:0100294, OMIM 252011.
Pheochromocytoma/paraganglioma syndrome 5. Also called: Paragangliomas 5; SDHA-Related Hereditary Paraganglioma-Pheochromocytoma Syndrome. Identifiers: Orphanet 29072, MedGen C3279992, MONDO:0013602, OMIM 614165.

Submission:

Labcorp Genetics (formerly Invitae), Labcorp
Classification: Uncertain significance for Pheochromocytoma/paraganglioma syndrome 5; Mitochondrial complex II deficiency, nuclear type 1. Last evaluated: 2021-10-12. Review status: criteria provided, single submitter. Criteria: Invitae Variant Classification Sherloc (09022015). Collection method: clinical testing. Allele origin: germline.
Comment: Advanced modeling of protein sequence and biophysical properties (such as structural, functional, and spatial information, amino acid conservation, physicochemical variation, residue mobility, and thermodynamic stability) performed at Invitae indicates that this missense variant is not expected to disrupt SDHA protein function. This variant has not been reported in the literature in individuals affected with SDHA-related conditions. This variant is not present in population databases (ExAC no frequency). This sequence change replaces proline with arginine at codon 482 of the SDHA protein (p.Pro482Arg). The proline residue is moderately conserved and there is a moderate physicochemical difference between proline and arginine. In summary, the available evidence is currently insufficient to determine the role of this variant in disease. Therefore, it has been classified as a Variant of Uncertain Significance.